The following is an entry in ClinVar:

NM_032578.4(MYPN):c.158G>A (p.Gly53Glu)

Gene: MYPN (myopalladin; plus strand). Cytogenetic location: 10q21.3.
Variant type: single nucleotide variant.
Coding change: c.158G>A on transcript NM_032578.4 (MANE Select); coding-DNA position 158, G replaced by A.
Protein change: p.Gly53Glu; replaces glycine 53 with glutamic acid.
Molecular consequence: missense variant. On other transcripts: 5 prime UTR variant (1), non-coding transcript variant (1).
Genome position (GRCh38, 1-based): chr10:68,121,596, G>A. VCF-style: chr10-68121596-G-A. GRCh37 (hg19) VCF-style: chr10-69881353-G-A.
Other names: c.-965G>A (NM_001256268.2); c.158G>A, p.Gly53Glu (NM_001256267.2); c.158G>A (NM_032578.2); short protein forms G53E.
Identifiers: ClinVar variation 2165385 (VCV002165385.3), dbSNP rs2042243303, ClinGen allele CA377103726.

ClinVar aggregate classification (germline): Uncertain significance. Review status: criteria provided, multiple submitters, no conflicts (2 of 4 stars). 2 submissions from 2 submitters: Uncertain significance (2). Last evaluated 2025-12-22.

Conditions:
Cardiovascular phenotype. Identifiers: MedGen CN230736.
Dilated cardiomyopathy 1KK (CMD1KK). Identifiers: Orphanet 154, Orphanet 75249, MedGen C3714995, MONDO:0014100, OMIM 615248.

Allele frequency attached by ClinVar (database versions not stated): TOPMed below 0.00001.

Submissions (2):

Ambry Genetics
Classification: Uncertain significance for Cardiovascular phenotype. Last evaluated: 2025-12-22. Review status: criteria provided, single submitter. Criteria: Ambry Variant Classification Scheme 2023. Collection method: clinical testing. Allele origin: germline.

Labcorp Genetics (formerly Invitae), Labcorp
Classification: Uncertain significance for Dilated cardiomyopathy 1KK. Last evaluated: 2022-10-19. Review status: criteria provided, single submitter. Criteria: Invitae Variant Classification Sherloc (09022015). Collection method: clinical testing. Allele origin: germline.
Comment: This sequence change replaces glycine, which is neutral and non-polar, with glutamic acid, which is acidic and polar, at codon 53 of the MYPN protein (p.Gly53Glu). This variant is not present in population databases (gnomAD no frequency). In summary, the available evidence is currently insufficient to determine the role of this variant in disease. Therefore, it has been classified as a Variant of Uncertain Significance. Algorithms developed to predict the effect of missense changes on protein structure and function (SIFT, PolyPhen-2, Align-GVGD) all suggest that this variant is likely to be tolerated. This variant has not been reported in the literature in individuals affected with MYPN-related conditions.